The following is an entry in ClinVar:

ClinVar aggregate classification (germline): Uncertain significance (1 of 4 stars; one submission).

Conditions:
Hereditary cancer-predisposing syndrome. Also called: Neoplastic Syndromes, Hereditary; Tumor predisposition; Hereditary Cancer Syndrome; Hereditary neoplastic syndrome. Identifiers: Orphanet 140162, MedGen C0027672, MeSH D009386, MONDO:0015356.

Submission:

Ambry Genetics
Classification: Uncertain significance for Hereditary cancer-predisposing syndrome. Last evaluated: 2021-10-01. Review status: criteria provided, single submitter. Criteria: Ambry Variant Classification Scheme 2023. Collection method: clinical testing. Allele origin: germline.
Comment: The p.T1303S variant (also known as c.3908C>G), located in coding exon 25 of the ATM gene, results from a C to G substitution at nucleotide position 3908. The threonine at codon 1303 is replaced by serine, an amino acid with similar properties. This amino acid position is conserved. In addition, this alteration is predicted to be tolerated by in silico analysis. Since supporting evidence is limited at this time, the clinical significance of this alteration remains unclear.

NM_000051.4(ATM):c.3908C>G (p.Thr1303Ser)

Gene: ATM (ATM serine/threonine kinase; plus strand). Cytogenetic location: 11q22.3.
Variant type: single nucleotide variant.
Coding change: c.3908C>G on transcript NM_000051.4 (MANE Select); coding-DNA position 3908, C replaced by G.
Protein change: p.Thr1303Ser; replaces threonine 1303 with serine.
Molecular consequence: missense variant.
Genome position (GRCh38, 1-based): chr11:108,284,388, C>G. VCF-style: chr11-108284388-C-G. GRCh37 (hg19) VCF-style: chr11-108155115-C-G.
Other names: c.3908C>G, p.Thr1303Ser (NM_001351834.2); short protein forms T1303S.
Identifiers: ClinVar variation 1736073 (VCV001736073.2), dbSNP rs2135708145, ClinGen allele CA382525699.